The following is an entry in ClinVar:

NM_000179.3(MSH6):c.480G>T (p.Gln160His)

Gene: MSH6 (mutS homolog 6; plus strand). Cytogenetic location: 2p16.3.
Variant type: single nucleotide variant.
Coding change: c.480G>T on transcript NM_000179.3 (MANE Select); coding-DNA position 480, G replaced by T.
Protein change: p.Gln160His; replaces glutamine 160 with histidine.
Molecular consequence: missense variant. On other transcripts: 5 prime UTR variant (1), intron variant (2).
Genome position (GRCh38, 1-based): chr2:47,795,916, G>T. VCF-style: chr2-47795916-G-T. GRCh37 (hg19) VCF-style: chr2-48023055-G-T.
Other names: c.-423G>T (NM_001281494.2); c.-279-2695G>T (NM_001281493.2); c.238-2695G>T (NM_001281492.2); short protein forms Q160H.
Identifiers: ClinVar variation 187329 (VCV000187329.5), dbSNP rs786203645, ClinGen allele CA015704.

ClinVar aggregate classification (germline): Uncertain significance (1 of 4 stars; one submission).

Conditions:
Hereditary cancer-predisposing syndrome. Also called: Neoplastic Syndromes, Hereditary; Tumor predisposition; Hereditary Cancer Syndrome; Hereditary neoplastic syndrome. Identifiers: Orphanet 140162, MedGen C0027672, MeSH D009386, MONDO:0015356.

Submission:

Ambry Genetics
Classification: Uncertain significance for Hereditary cancer-predisposing syndrome. Last evaluated: 2024-01-29. Review status: criteria provided, single submitter. Criteria: Ambry Variant Classification Scheme 2023. Collection method: clinical testing. Allele origin: germline.
Comment: The p.Q160H variant (also known as c.480G>T), located in coding exon 3 of the MSH6 gene, results from a G to T substitution at nucleotide position 480. The glutamine at codon 160 is replaced by histidine, an amino acid with highly similar properties. This amino acid position is well conserved in available vertebrate species. In addition, this alteration is predicted to be tolerated by in silico analysis. Since supporting evidence is limited at this time, the clinical significance of this alteration remains unclear.